The following is an entry in ClinVar:

NM_001039672.3(YIF1B):c.250del (p.Tyr84fs)

Gene: YIF1B (Yip1 interacting factor homolog B, membrane trafficking protein; minus strand). Cytogenetic location: 19q13.2.
Variant type: Deletion.
Coding change: c.250del on transcript NM_001039672.3 (MANE Select); coding-DNA position 250, one base deleted (T; older notation c.250delT).
Protein change: p.Tyr84fs; shifts the reading frame from tyrosine 84.
Molecular consequence: frameshift variant.
Genome position (GRCh38, 1-based): chr19:38,309,452, A deleted on the plus strand (T on the coding strand, the reverse complement: YIF1B is on the minus strand). VCF-style (leftmost placement, unchanged base first): chr19-38309451-TA-T. GRCh37 (hg19) VCF-style: chr19-38800091-TA-T.
Other names: c.205del, p.Tyr69fs (NM_001039671.3); c.241del, p.Tyr81fs (NM_001039673.3, NM_001145463.2); c.199del, p.Tyr67fs (NM_001145461.2); c.157del, p.Tyr53fs (NM_001145462.2); short protein forms Y53fs, Y67fs, Y69fs, Y81fs, Y84fs.
Identifiers: ClinVar variation 3778223 (VCV003778223.7).
Genomic context (GRCh38, chr19:38,309,451, plus strand): 5'-CCCCGCCCACTCACGTTCTTATCCACCAGCTCCTTGCCCTGCGCGGCCAGGCTGCTCCCA[TA>T]GGCCATGGCCATGTTGGACACCGGGTCAGCCAGGAAGGCTGCATGGGGCGTGGGAGAGGC-3'

ClinVar aggregate classification (germline): Pathogenic (1 of 4 stars; one submission).

Submission:

CeGaT Center for Human Genetics Tuebingen
Classification: Pathogenic. Last evaluated: 2025-03-01. Review status: criteria provided, single submitter. Criteria: CeGaT Center For Human Genetics Tuebingen Variant Classification Criteria Version 2. Collection method: clinical testing. Allele origin: germline. Affected: yes. Observed: 1 variant allele.
Comment: YIF1B: PVS1, PM2